The following is an entry in ClinVar:

ClinVar aggregate classification (germline): Pathogenic. Review status: reviewed by expert panel (3 of 4 stars). 22 submissions from 20 submitters: Pathogenic (1). 21 of the submissions do not count toward it. Last evaluated 2022-06-30.

Conditions:
MT-ATP6-related mitochondrial disease.
Primary Mitochondrial Disorders. Identifiers: MedGen CN381104.
MT-ATP6-related disorder.
Leigh syndrome, mitochondrial. Identifiers: MedGen CN377802, MONDO:0970944, OMIM 500017.
NARP syndrome. Also called: NEUROPATHY, ATAXIA, AND RETINITIS PIGMENTOSA; NARP. Identifiers: Orphanet 644, MedGen C1328349, MONDO:0010794, OMIM 551500.
Mitochondrial complex 5 (ATP synthase) deficiency, mitochondrial type 1. Also called: Mitochondrial complex v (atp synthase) deficiency, mitochondrial type 1. Identifiers: MedGen C3275684, MONDO:0027069, OMIM 500015.
Charcot-Marie-Tooth disease. Also called: Charcot-Marie-Tooth Neuropathy; Charcot-Marie-Tooth Hereditary Neuropathy. Identifiers: Orphanet 166, MedGen C0007959, MONDO:0015626.
Mitochondrial DNA-Associated Leigh Syndrome and NARP. Identifiers: MedGen CN043634.
Mitochondrial disease. Also called: Mitochondrial disorders; Mitochondrial disorder. Identifiers: Orphanet 68380, MedGen C0751651, MeSH D028361, MONDO:0044970.
Charcot-Marie-Tooth disease, type IA (CMT1A). Also called: CHARCOT-MARIE-TOOTH DISEASE, AUTOSOMAL DOMINANT, WITH FOCALLY FOLDED MYELIN SHEATHS, TYPE 1A; CHARCOT-MARIE-TOOTH NEUROPATHY, TYPE 1A; CHARCOT-MARIE-TOOTH DISEASE, DEMYELINATING, TYPE 1A; Charcot-Marie-Tooth disease type 1A; CMT 1A; Hereditary motor and sensory neuropathy 1A. Identifiers: Orphanet 101081, MedGen C0270911, MONDO:0007309, OMIM 118220.
Leber optic atrophy (LHON). Also called: Optic Atrophy, Hereditary, Leber; Leber hereditary optic neuropathy; Leber's disease; Leber's optic atrophy. Identifiers: Orphanet 104, MedGen C0917796, MONDO:0010788, OMIM 535000, HP:0001112.
Leigh syndrome (NULS). Also called: Leigh Disease; Leigh's syndrome; Leigh Syndrome (mtDNA deletion); LEIGH SYNDROME, NUCLEAR; Subacute necrotizing encephalopathy; Necrotizing encephalopathy infantile subacute of Leigh. Identifiers: Orphanet 506, MedGen C2931891, MONDO:0009723, OMIM 256000.

Submissions 1 to 11 of 22:

ClinGen Mitochondrial Disease Nuclear and Mitochondrial  Variant Curation Expert Panel, ClinGen
Classification: Pathogenic for Mitochondrial disease. Last evaluated: 2022-06-30. Review status: reviewed by expert panel. Criteria: clingen mito disease acmg specifications v1-1. Collection method: curation. Allele origin: germline. Inheritance: Mitochondrial inheritance.
Comment: The m.9185T>C (p.L220P) variant in MT-ATP6 has been reported in more than 16 individuals with features of primary mitochondrial disease with manifestations including Leigh syndrome, MELAS, NARP, neuropathy, ataxia, exercise intolerance, muscle weakness, developmental delay, and seizures (PS4; PMIDs: 28429146, 33717984, 27290639, 24153443, 27783406, 32042921, 31500933, 29116603, 31187502, 22577227, 25548692, 18461509, 17352390, 29228836, 16217706). There are at least two reports of de novo occurrences of this variant (PM6; PMIDs: 33717984, 29228836). This variant segregated with disease in multiple affected members in multiple families and several healthy family members had lower levels of the variant (PP1_moderate; PMIDs: 16217706, 17352390,20546952). This variant is absent in population databases after removing sequences from individuals with mitochondrial disease (three occurrences in GenBank sequences are from individuals with mitochondrial disease; absent in gnomAD v3.1.2 and Helix dataset; PM2_supporting). Studies in cybrids support the functional impact of this variant (PS3_supporting; PMID: 24153443). The computational predictor APOGEE gives a consensus rating of pathogenic with a score of 0.94 (Min=0, Max=1), which predicts a damaging effect on gene function (PP3). In summary, this variant meets criteria to be classified as pathogenic for primary mitochondrial disease inherited in a mitochondrial manner. This classification was approved by the NICHD U24 Mitochondrial Disease Variant Curation Expert Panel on May 20, 2021. Mitochondrial DNA-specific ACMG/AMP criteria applied: PS4, PM6, PS3_supporting, PP1_moderate, PM2_supporting, PP3.

3billion
Classification: Pathogenic for MT-ATP6-related disorder. Last evaluated: 2026-01-15. Review status: criteria provided, single submitter. Criteria: ACMG Guidelines, 2015. Collection method: clinical testing. Allele origin: germline. Affected: yes. Not counted in ClinVar's aggregate classification.
Comment: The variant is observed at an extremely low frequency in the gnomAD v4.1.0 dataset (heteroplasmic allele frequency: 0.004%). Predicted Consequence/Location: Mitochondrial variant Functional studies provide supporting evidence of the variant having a damaging effect on the gene or gene product (PMID: 24153443). In silico tool predictions suggest damaging effect of the variant on gene or gene product [APOGEE2: 0.91 (>= 0.716)]. The same nucleotide change resulting in the same amino acid change has been previously reported as pathogenic/likely pathogenic with strong evidence (3billion dataset/ClinVar ID: VCV000009647). The variant has been observed in multiple (>3) similarly affected unrelated individuals (PMID: 16217706, 17352390, 18461509, 22577227, 24153443, 25548692, 27290639, 27783406, 28429146, 29116603, 29228836, 31187502, 31500933, 32042921, 33717984). The variant has been previously reported as assumed (i.e. paternity and maternity not confirmed) de novo in at least one similarly affected unrelated individual (PMID: 29228836, 33717984). Therefore, this variant is classified as Pathogenic according to the recommendation of ACMG/AMP guideline.

Medical and Scientific Branch, Hong Kong Genome Institute
Classification: Pathogenic for Leigh syndrome. Last evaluated: 2025-10-11. Review status: criteria provided, single submitter. Criteria: ACMG Guidelines, 2015. Collection method: clinical testing. Allele origin: germline. Affected: yes. Not counted in ClinVar's aggregate classification.

Variantyx, Inc.
Classification: Pathogenic for Primary mitochondrial disorders. Last evaluated: 2025-10-02. Review status: criteria provided, single submitter. Criteria: Variantyx Assertion Criteria 2022. Collection method: clinical testing. Allele origin: germline. Affected: yes. Not counted in ClinVar's aggregate classification.
Comment: The m.9185T>C, c.659T>C, p.Leu220Pro change is a a nonsynonymous single nucleotide variant in the MT-ATP6 gene. Pathogenic variants in this gene have been associated with primary mitochondrial disorders. This variant has been reported in many unrelated affected individuals (PMID: 17352390, 16217706, 19747204, 20546952, 22933740, 29116603, 30128709, 30763462) (PS4_Very_Strong) and it has been observed to segregate with disease in at least 10 individuals from 2 families. Unaffected family members may have lower to undetectable levels of the variant (PMID: 17352390, 22933740, 30763462) (PP1). Functional studies support a deleterious effect for this variant (PMID: 17352390, 22933740, 24316278) (PS3), confirmed by computational algorithms (Aggregate Predicted Severity Score: 0.67) (PP3). This variant is absent from control populations (PM2). Other reputable laboratories have reported this variant as pathogenic or likely pathogenic, and this classification has been validated by an expert panel in ClinVar (PP5). Based on the current evidence, this variant is classified as pathogenic for primary mitochondrial disorders.

Rady Children's Institute for Genomic Medicine, Rady Children's Hospital San Diego
Classification: Pathogenic for MT-ATP6-related mitochondrial disease. Last evaluated: 2025-06-11. Review status: criteria provided, single submitter. Criteria: ACMG Guidelines, 2015. Collection method: clinical testing. Allele origin: germline. Affected: yes. Not counted in ClinVar's aggregate classification.
Comment: This is a known Pathogenic variant that has been previously reported in individuals with variable presentations of mitochondrial disease including Leigh syndrome, MELAS, NARP, neuropathy, ataxia, exercise intolerance, muscle weakness, developmental delay, and seizures (PMID: 28429146, 33717984, 27290639, 24153443, 27783406, 32042921, 31500933, 29116603, 31187502, 22577227, 25548692, 18461509, 17352390, 29228836, 16217706). In silico analyses support a deleterious effect of the m.9185T>C (p.Leu220Pro) variant on protein function. Functional cybrid studies indicate this variant may lead to oxidative stress and permanent plasma membrane depolarization (PMID: 24153443). It is absent from the latest version of the gnomAD population database and thus is presumed to be rare. Based on the available evidence, c.659T>C (p.Leu220Pro) is classified as Pathogenic.

Clinical Genetics Laboratory, University Hospital Schleswig-Holstein
Classification: Pathogenic for Leigh syndrome, mitochondrial; NARP syndrome. Last evaluated: 2025-05-23. Review status: criteria provided, single submitter. Criteria: ACMG Guidelines, 2015. Collection method: clinical testing. Allele origin: germline. Affected: yes. Observed: 1 heterozygote. Not counted in ClinVar's aggregate classification.
Comment: ACMG criteria applied: PM2, PS4, PP3, PS3_Supporting, PP1_Moderate, PM6

Laboratory of Genetics, Children's Clinical University Hospital Latvia
Classification: Pathogenic. Last evaluated: 2025-02-16. Review status: criteria provided, single submitter. Criteria: ACMG Guidelines, 2015. Collection method: clinical testing. Allele origin: germline. Affected: yes. Not counted in ClinVar's aggregate classification.

Institute of Human Genetics, University of Leipzig Medical Center
Classification: Pathogenic for NARP syndrome. Last evaluated: 2024-09-24. Review status: criteria provided, single submitter. Criteria: ACMG Guidelines, 2015. Collection method: clinical testing. Allele origin: unknown. Inheritance: Mitochondrial inheritance. Affected: yes. Not counted in ClinVar's aggregate classification.
Comment: Criteria applied: PS4,PM6,PP1_MOD,PS3_SUP,PM2_SUP,PP3

Clinical Genetics Laboratory, Skane University Hospital Lund
Classification: Pathogenic. Last evaluated: 2022-11-23. Review status: criteria provided, single submitter. Criteria: ACMG Guidelines, 2015. Collection method: clinical testing. Allele origin: germline. Affected: yes. Not counted in ClinVar's aggregate classification.

Equipe Genetique des Anomalies du Developpement, Université de Bourgogne
Classification: Pathogenic for Charcot-Marie-Tooth disease, type IA. Last evaluated: 2022-09-12. Review status: criteria provided, single submitter. Criteria: ACMG Guidelines, 2015. Collection method: clinical testing. Allele origin: unknown. Inheritance: Mitochondrial inheritance. Affected: yes. Not counted in ClinVar's aggregate classification.

Institute of Human Genetics, University of Leipzig Medical Center
Classification: Pathogenic for Mitochondrial DNA-Associated Leigh Syndrome and NARP. Last evaluated: 2022-07-11. Review status: criteria provided, single submitter. Criteria: ACMG Guidelines, 2015. Collection method: clinical testing. Allele origin: maternal. Affected: yes. Not counted in ClinVar's aggregate classification.
Comment: _x000D_This variant was identified as homoplasmic. Criteria applied: PS2, PS4, PP1_MOD, PP3, PM2_SUP

NC_012920.1(MT-ATP6):m.9185T>C

Gene: MT-ATP6 (mitochondrially encoded ATP synthase 6; plus strand).
Variant type: single nucleotide variant.
Genome position: chrM-9185-T-C.
Other names: MTATP6, 9185T-C, LEU220PRO; L220P.
Identifiers: ClinVar variation 9647 (VCV000009647.31), dbSNP rs199476138, ClinGen allele CA340928.